The following is an entry in ClinVar:

NM_001369268.1(ACAN):c.4851del (p.Gln1618fs)

Gene: ACAN (aggrecan; plus strand). Cytogenetic location: 15q26.1.
Variant type: Deletion.
Coding change: c.4851del on transcript NM_001369268.1 (MANE Select); coding-DNA position 4851, one base deleted (G; older notation c.4851delG).
Protein change: p.Gln1618fs; shifts the reading frame from glutamine 1618.
Molecular consequence: frameshift variant.
Genome position (GRCh38, 1-based): chr15:88,857,436, G deleted; the last of 3 consecutive G bases (chr15:88,857,434-88,857,436); deleting any one gives the same sequence. VCF-style (leftmost placement, unchanged base first): chr15-88857433-TG-T. GRCh37 (hg19) VCF-style: chr15-89400664-TG-T.
Other names: c.4851delG (NM_001369268.1); c.4851del, p.Gln1618fs (NM_001135.4, NM_001411096.1, NM_001411097.1 and 1 more transcripts); short protein forms Q1618fs.
Identifiers: ClinVar variation 4536906 (VCV004536906.1).
Genomic context (GRCh38, chr15:88,857,433, plus strand): 5'-GGTGGGGTCAGCTTCTGGAGACTTGGACTTGGGCAAACTGCCTTCTGGAACTCTAGGAAG[TG>T]GGCAAGCTCCAGAAACAAGTGGTCTTCCCTCTGGATTTAGTGGTGAGTATTCTGGGGTGG-3'

ClinVar aggregate classification (germline): Pathogenic (1 of 4 stars; one submission).

Conditions:
ACAN-related disorder. Also called: ACAN-related condition; ACAN-related disorders.

Submission:

Women's Health and Genetics/Laboratory Corporation of America, LabCorp
Classification: Pathogenic for ACAN-Related Disorders. Last evaluated: 2025-11-10. Review status: criteria provided, single submitter. Criteria: LabCorp Variant Classification Summary - May 2015. Collection method: clinical testing. Allele origin: germline.
Comment: Variant summary: ACAN c.4851delG (p.Gln1618LysfsX44) results in a premature termination codon, predicted to cause a truncation of the encoded protein or absence of the protein due to nonsense mediated decay, which are commonly known mechanisms for disease. The variant was absent in 249092 control chromosomes. To our knowledge, no occurrence of c.4851delG in individuals affected with ACAN-related conditions and no experimental evidence demonstrating its impact on protein function have been reported. No submitters have cited clinical-significance assessments for this variant to ClinVar. Based on the evidence outlined above, the variant was classified as pathogenic.